The following is an entry in ClinVar:

NM_001048174.2(MUTYH):c.1180C>A (p.Gln394Lys)

Gene: MUTYH (mutY DNA glycosylase; minus strand). Cytogenetic location: 1p34.1.
Variant type: single nucleotide variant.
Coding change: c.1180C>A on transcript NM_001048174.2 (MANE Select); coding-DNA position 1180, C replaced by A.
Protein change: p.Gln394Lys; replaces glutamine 394 with lysine.
Molecular consequence: missense variant. On other transcripts: non-coding transcript variant (7).
Genome position (GRCh38, 1-based): chr1:45,331,479, G>T on the plus strand (C>A on the coding strand, the complement: MUTYH is on the minus strand). VCF-style: chr1-45331479-G-T. GRCh37 (hg19) VCF-style: chr1-45797151-G-T.
Other names: c.1096C>A, p.Gln366Lys (NM_001407075.1); c.1213C>A, p.Gln405Lys (NM_001407077.1, NM_001293191.2, NM_001407069.1); c.1183C>A, p.Gln395Lys (NM_001407078.1, NM_001048172.2, NM_001407071.1 and 1 more transcripts); c.1141C>A, p.Gln381Lys (NM_001407079.1); c.1138C>A, p.Gln380Lys (NM_001407080.1); c.1180C>A, p.Gln394Lys (NM_001407081.1, NM_001407072.1, NM_001407073.1 and 6 more transcripts); c.835C>A, p.Gln279Lys (NM_001407082.1, NM_001350650.2, NM_001350651.2); c.1264C>A, p.Gln422Lys (NM_001128425.2); and 5 more; short protein forms Q279K, Q401K, Q422K, Q302K, Q380K, Q395K, Q419K, Q394K.
Identifiers: ClinVar variation 4113140 (VCV004113140.1).

ClinVar aggregate classification (germline): Uncertain significance (1 of 4 stars; one submission).

Conditions:
Hereditary cancer-predisposing syndrome. Also called: Tumor predisposition; Neoplastic Syndromes, Hereditary; Hereditary neoplastic syndrome; Hereditary Cancer Syndrome. Identifiers: Orphanet 140162, MedGen C0027672, MeSH D009386, MONDO:0015356.

Submission:

Ambry Genetics
Classification: Uncertain significance for Hereditary cancer-predisposing syndrome. Last evaluated: 2025-08-27. Review status: criteria provided, single submitter. Criteria: Ambry Variant Classification Scheme 2023. Collection method: clinical testing. Allele origin: germline.
Comment: The p.Q422K variant (also known as c.1264C>A), located in coding exon 13 of the MUTYH gene, results from a C to A substitution at nucleotide position 1264. The glutamine at codon 422 is replaced by lysine, an amino acid with similar properties. This amino acid position is conserved. In addition, this alteration is predicted to be tolerated by in silico analysis. Based on the available evidence, the clinical significance of this variant remains unclear.